The following is an entry in ClinVar:

NM_001197104.2(KMT2A):c.3130A>G (p.Lys1044Glu)

Gene: KMT2A (lysine methyltransferase 2A; plus strand). Cytogenetic location: 11q23.3.
Variant type: single nucleotide variant.
Coding change: c.3130A>G on transcript NM_001197104.2 (MANE Select); coding-DNA position 3130, A replaced by G.
Protein change: p.Lys1044Glu; replaces lysine 1044 with glutamic acid.
Molecular consequence: missense variant.
Genome position (GRCh38, 1-based): chr11:118,474,289, A>G. VCF-style: chr11-118474289-A-G. GRCh37 (hg19) VCF-style: chr11-118345004-A-G.
Other names: c.3229A>G, p.Lys1077Glu (NM_001412597.1); c.3130A>G, p.Lys1044Glu (NM_005933.4); short protein forms K1077E, K1044E.
Identifiers: ClinVar variation 2828721 (VCV002828721.3), dbSNP rs1464337145, ClinGen allele CA382820154.

ClinVar aggregate classification (germline): Uncertain significance (1 of 4 stars; one submission).

Allele frequency attached by ClinVar (database versions not stated): gnomAD 0.00001; TOPMed 0.00001.
gnomAD v4.1: 1 of 1,613,970 alleles (0.000062%); highest among the groups gnomAD compares: African/African-American, 0.0013%; no homozygotes.

Submission:

Labcorp Genetics (formerly Invitae), Labcorp
Classification: Uncertain significance. Last evaluated: 2023-07-27. Review status: criteria provided, single submitter. Criteria: Invitae Variant Classification Sherloc (09022015). Collection method: clinical testing. Allele origin: germline.
Comment: Advanced modeling of protein sequence and biophysical properties (such as structural, functional, and spatial information, amino acid conservation, physicochemical variation, residue mobility, and thermodynamic stability) has been performed at Invitae for this missense variant, however the output from this modeling did not meet the statistical confidence thresholds required to predict the impact of this variant on KMT2A protein function. This sequence change replaces lysine, which is basic and polar, with glutamic acid, which is acidic and polar, at codon 1044 of the KMT2A protein (p.Lys1044Glu). This variant is not present in population databases (gnomAD no frequency). This variant has not been reported in the literature in individuals affected with KMT2A-related conditions. In summary, the available evidence is currently insufficient to determine the role of this variant in disease. Therefore, it has been classified as a Variant of Uncertain Significance.